The following is an entry in ClinVar:

ClinVar aggregate classification (germline): Uncertain significance (1 of 4 stars; one submission).

Conditions:
Cardiovascular phenotype. Identifiers: MedGen CN230736.

Submission:

Ambry Genetics
Classification: Uncertain significance for Cardiovascular phenotype. Last evaluated: 2023-05-09. Review status: criteria provided, single submitter. Criteria: Ambry Variant Classification Scheme 2023. Collection method: clinical testing. Allele origin: germline.
Comment: The c.102delA variant, located in coding exon 1 of the ACTN2 gene, results from a deletion of one nucleotide at nucleotide position 102, causing a translational frameshift with a predicted alternate stop codon (p.A35Pfs*18). This alteration is expected to result in protein truncation or nonsense-mediated mRNA decay. However, loss of function of ACTN2 has not been established as a mechanism of disease. Since supporting evidence is limited at this time, the clinical significance of this alteration remains unclear.

NM_001103.4(ACTN2):c.102del (p.Ala35fs)

Gene: ACTN2 (actinin alpha 2; plus strand). Cytogenetic location: 1q43.
Variant type: Deletion.
Coding change: c.102del on transcript NM_001103.4 (MANE Select); coding-DNA position 102, one base deleted (A; older notation c.102delA).
Protein change: p.Ala35fs; shifts the reading frame from alanine 35.
Molecular consequence: frameshift variant. On other transcripts: non-coding transcript variant (1).
Genome position (GRCh38, 1-based): chr1:236,686,775, A deleted. VCF-style (leftmost placement, unchanged base first): chr1-236686774-CA-C. GRCh37 (hg19) VCF-style: chr1-236850074-CA-C.
Other names: c.102del, p.Ala35fs (NM_001278343.2); c.-720delA (NM_001278344.2); c.-845delA (NM_001412150.1); short protein forms A35fs.
Identifiers: ClinVar variation 2562765 (VCV002562765.2), dbSNP rs2527438414, ClinGen allele CA2580611566.